The following is an entry in ClinVar:

NM_024757.5(EHMT1):c.515C>T (p.Pro172Leu)

Gene: EHMT1 (euchromatic histone lysine methyltransferase 1; plus strand). Cytogenetic location: 9q34.3.
Variant type: single nucleotide variant.
Coding change: c.515C>T on transcript NM_024757.5 (MANE Select); coding-DNA position 515, C replaced by T.
Protein change: p.Pro172Leu; replaces proline 172 with leucine.
Molecular consequence: missense variant.
Genome position (GRCh38, 1-based): chr9:137,717,055, C>T. VCF-style: chr9-137717055-C-T. GRCh37 (hg19) VCF-style: chr9-140611507-C-T.
Other names: c.515C>T, p.Pro172Leu (NM_001145527.2, NM_001354263.2, NM_001354611.2); c.422C>T, p.Pro141Leu (NM_001354259.2, NM_001354612.2); short protein forms P141L, P172L.
Identifiers: ClinVar variation 3345602 (VCV003345602.1).

ClinVar aggregate classification (germline): Uncertain significance (0 of 4 stars; one submission).

Conditions:
EHMT1-related disorder. Also called: EHMT1-related condition.

Submission:

PreventionGenetics, part of Exact Sciences
Classification: Uncertain significance for EHMT1-related condition. Last evaluated: 2024-06-28. Review status: no assertion criteria provided. Collection method: clinical testing. Allele origin: germline.
Comment: The EHMT1 c.515C>T variant is predicted to result in the amino acid substitution p.Pro172Leu. To our knowledge, this variant has not been reported in the literature or in a large population database, indicating it is rare. At this time, the clinical significance of this variant is uncertain due to the absence of conclusive functional and genetic evidence.